The following is an entry in ClinVar:

NM_001029896.2(WDR45):c.70G>A (p.Ala24Thr)

Genes: WDR45 (WD repeat domain 45; minus strand), LOC126863256 (BRD4-independent group 4 enhancer GRCh37_chrX:48934848-48936047; plus strand). Cytogenetic location: Xp11.23.
Variant type: single nucleotide variant.
Coding change: c.70G>A on transcript NM_001029896.2 (MANE Select); coding-DNA position 70, G replaced by A.
Protein change: p.Ala24Thr; replaces alanine 24 with threonine.
Molecular consequence: missense variant.
Genome position (GRCh38, 1-based): chrX:49,077,897, C>T on the plus strand (G>A on the coding strand, the complement: WDR45 is on the minus strand). VCF-style: chrX-49077897-C-T. GRCh37 (hg19) VCF-style: chrX-48935556-C-T.
Other names: c.70G>A, p.Ala24Thr (NM_007075.4); short protein forms A24T.
Identifiers: ClinVar variation 1041372 (VCV001041372.9), dbSNP rs187104097, ClinGen allele CA10408626.

ClinVar aggregate classification (germline): Uncertain significance (1 of 4 stars; one submission).

Conditions:
Neurodegeneration with brain iron accumulation 5 (NBIA5). Also called: Beta-propeller protein-associated neurodegeneration; STATIC ENCEPHALOPATHY OF CHILDHOOD WITH NEURODEGENERATION IN ADULTHOOD. Identifiers: Orphanet 329284, MedGen C3550973, MONDO:0010476, OMIM 300894.

Allele frequency attached by ClinVar (database versions not stated): ExAC 0.00001; gnomAD 0.00001; gnomAD exomes 0.00001; TOPMed 0.00001.

Submission:

Labcorp Genetics (formerly Invitae), Labcorp
Classification: Uncertain significance for Neurodegeneration with brain iron accumulation 5. Last evaluated: 2021-08-06. Review status: criteria provided, single submitter. Criteria: Invitae Variant Classification Sherloc (09022015). Collection method: clinical testing. Allele origin: germline.
Comment: This variant is present in population databases (rs187104097, ExAC 0.02%). This sequence change replaces alanine with threonine at codon 24 of the WDR45 protein (p.Ala24Thr). The alanine residue is highly conserved and there is a small physicochemical difference between alanine and threonine. This variant has not been reported in the literature in individuals with WDR45-related conditions. In summary, the available evidence is currently insufficient to determine the role of this variant in disease. Therefore, it has been classified as a Variant of Uncertain Significance. Algorithms developed to predict the effect of missense changes on protein structure and function (SIFT, PolyPhen-2, Align-GVGD) all suggest that this variant is likely to be disruptive, but these predictions have not been confirmed by published functional studies and their clinical significance is uncertain.